The following is an entry in ClinVar:

NM_015215.4(CAMTA1):c.2290C>T (p.His764Tyr)

Gene: CAMTA1 (calmodulin binding transcription activator 1; plus strand). Cytogenetic location: 1p36.23.
Variant type: single nucleotide variant.
Coding change: c.2290C>T on transcript NM_015215.4 (MANE Select); coding-DNA position 2290, C replaced by T.
Protein change: p.His764Tyr; replaces histidine 764 with tyrosine.
Molecular consequence: missense variant.
Genome position (GRCh38, 1-based): chr1:7,664,837, C>T. VCF-style: chr1-7664837-C-T. GRCh37 (hg19) VCF-style: chr1-7724897-C-T.
Other names: c.2200C>T, p.His734Tyr (NM_001349608.2, NM_001349612.2); c.2290C>T, p.His764Tyr (NM_001349609.2, NM_001349610.2, NM_001410737.1); c.2218C>T, p.His740Tyr (NM_001410738.1); short protein forms H740Y, H734Y, H764Y.
Identifiers: ClinVar variation 1878235 (VCV001878235.2), dbSNP rs2095987861, ClinGen allele CA338133456.

ClinVar aggregate classification (germline): Uncertain significance (1 of 4 stars; one submission).

Allele frequency attached by ClinVar (database versions not stated): gnomAD exomes below 0.00001; TOPMed below 0.00001; gnomAD 0.00001.

Submission:

Women's Health and Genetics/Laboratory Corporation of America, LabCorp
Classification: Uncertain significance. Last evaluated: 2025-08-01. Review status: criteria provided, single submitter. Criteria: LabCorp Variant Classification Summary - May 2015. Collection method: clinical testing. Allele origin: germline.
Comment: Variant summary: CAMTA1 c.2290C>T (p.His764Tyr) results in a conservative amino acid change in the encoded protein sequence. Algorithms developed to predict the effect of missense changes on protein structure and function are either unavailable or do not agree on the potential impact of this missense change. The variant was absent in 250552 control chromosomes. The available data on variant occurrences in the general population are insufficient to allow any conclusion about variant significance. To our knowledge, no occurrence of c.2290C>T in individuals affected with Cerebellar Dysfunction With Variable Cognitive And Behavioral Abnormalities and no experimental evidence demonstrating its impact on protein function have been reported. ClinVar contains an entry for this variant (Variation ID: 1878235). Based on the evidence outlined above, the variant was classified as uncertain significance.